The following is an entry in ClinVar:

NM_177977.3(HAP1):c.1509G>A (p.Thr503=)

Gene: HAP1 (huntingtin associated protein 1; minus strand). Cytogenetic location: 17q21.2.
Variant type: single nucleotide variant.
Coding change: c.1509G>A on transcript NM_177977.3 (MANE Select); coding-DNA position 1509, G replaced by A.
Protein change: p.Thr503=; no amino-acid change (threonine 503 retained).
Molecular consequence: synonymous variant. On other transcripts: intron variant (1).
Genome position (GRCh38, 1-based): chr17:41,725,052, C>T on the plus strand (G>A on the coding strand, the complement: HAP1 is on the minus strand). VCF-style: chr17-41725052-C-T. GRCh37 (hg19) VCF-style: chr17-39881304-C-T.
Other names: c.1458G>A, p.Thr486= (NM_001079870.1); c.1434G>A, p.Thr478= (NM_001079871.1, NM_001367461.1); c.1605G>A, p.Thr535= (NM_001367459.1); c.1569G>A, p.Thr523= (NM_001367460.1); c.1331+807G>A (NM_001367462.1).
Identifiers: ClinVar variation 3038125 (VCV003038125.2), dbSNP rs782272213, ClinGen allele CA8564287.

ClinVar aggregate classification (germline): Likely benign (0 of 4 stars; one submission).

Conditions:
HAP1-related disorder. Also called: HAP1-related condition.

Allele frequency attached by ClinVar (database versions not stated): TOPMed below 0.00001; gnomAD 0.00001; gnomAD exomes 0.00001; ExAC 0.00002.
gnomAD v4.1: 15 of 1,612,348 alleles (0.00093%); highest among the groups gnomAD compares: South Asian, 0.0077%; no homozygotes.

Submission:

PreventionGenetics, part of Exact Sciences
Classification: Likely benign for HAP1-related condition. Last evaluated: 2019-05-08. Review status: no assertion criteria provided. Collection method: clinical testing. Allele origin: germline.
Comment: This variant is classified as likely benign based on ACMG/AMP sequence variant interpretation guidelines (Richards et al. 2015 PMID: 25741868, with internal and published modifications).